The following is an entry in ClinVar:

NM_004813.4(PEX16):c.204G>T (p.Glu68Asp)

Gene: PEX16 (peroxisomal biogenesis factor 16; minus strand). Cytogenetic location: 11p11.2.
Variant type: single nucleotide variant.
Coding change: c.204G>T on transcript NM_004813.4 (MANE Select); coding-DNA position 204, G replaced by T.
Protein change: p.Glu68Asp; replaces glutamic acid 68 with aspartic acid.
Molecular consequence: missense variant.
Genome position (GRCh38, 1-based): chr11:45,916,248, C>A on the plus strand (G>T on the coding strand, the complement: PEX16 is on the minus strand). VCF-style: chr11-45916248-C-A. GRCh37 (hg19) VCF-style: chr11-45937799-C-A.
Other names: p.Glu68Asp; c.204G>T (NM_004813.3); c.204G>T, p.Glu68Asp (NM_057174.3); short protein forms E68D.
Identifiers: ClinVar variation 196397 (VCV000196397.24), dbSNP rs149348130, ClinGen allele CA243335.

ClinVar aggregate classification (germline): Conflicting classifications of pathogenicity. Review status: criteria provided, conflicting classifications (1 of 4 stars). 7 submissions from 7 submitters: Uncertain significance (2); Benign (2); Likely benign (2). 1 of the submissions does not count toward it. Last evaluated 2026-02-01.

Conditions:
PEX16-related disorder. Also called: PEX16-related condition.
Peroxisome biogenesis disorder 8A (Zellweger). Also called: Peroxisome biogenesis disorder 8A. Identifiers: Orphanet 912, MedGen C3553959, MONDO:0013942, OMIM 614876.
Peroxisome biogenesis disorder. Identifiers: Orphanet 79189, MedGen C1832200, MONDO:0019234. Disease mechanism: loss of function.

Allele frequency attached by ClinVar (database versions not stated): gnomAD exomes 0.00020 and 0.00044; ExAC 0.00056; ESP Exome Variant Server 0.00161; gnomAD 0.00175 and 0.00192; TOPMed 0.00207; 1000 Genomes Project 30x 0.00234; 1000 Genomes Project 0.00260.

Submissions (7):

Labcorp Genetics (formerly Invitae), Labcorp
Classification: Likely benign for Peroxisome biogenesis disorder. Last evaluated: 2026-02-01. Review status: criteria provided, single submitter. Criteria: Invitae Variant Classification Sherloc (09022015). Collection method: clinical testing. Allele origin: germline.

Mayo Clinic Laboratories, Mayo Clinic
Classification: Benign. Last evaluated: 2025-10-01. Review status: criteria provided, single submitter. Criteria: ACMG Guidelines, 2015. Collection method: clinical testing. Allele origin: germline. Observed: 1 variant allele.
Comment: BA1, BP4_moderate

Blueprint Genetics
Classification: Likely benign. Last evaluated: 2024-10-29. Review status: criteria provided, single submitter. Criteria: ACMG Guidelines, 2015. Collection method: clinical testing. Allele origin: germline.

Illumina Laboratory Services, Illumina
Classification: Uncertain significance for Peroxisome biogenesis disorder 8A (Zellweger). Last evaluated: 2018-01-13. Review status: criteria provided, single submitter. Criteria: ICSL Variant Classification Criteria 13 December 2019. Collection method: clinical testing. Allele origin: germline.

GeneDx
Classification: Uncertain significance. Last evaluated: 2017-06-29. Review status: criteria provided, single submitter. Criteria: GeneDx Variant Classification (06012015). Collection method: clinical testing. Allele origin: germline. Affected: yes.
Comment: The E68D variant in the PEX16 gene has not been reported previously as a pathogenic variant, nor as a benign variant, to our knowledge. The E68D variant is observed in 68/10,406 (0.65%) alleles from individuals of African background in the ExAC dataset (Lek et al., 2016). This substitution occurs at a position that is conserved in mammals. However, the E68D variant is a conservative amino acid substitution, which is not likely to impact secondary protein structure as these residues share similar properties. In silico analysis is inconsistent in its predictions as to whether or not the variant is damaging to the protein structure/function. We interpret E68D as a variant of uncertain significance.

Eurofins Ntd Llc (ga)
Classification: Benign. Last evaluated: 2015-11-23. Review status: criteria provided, single submitter. Criteria: EGL Classification Definitions 2015. Collection method: clinical testing. Allele origin: germline. Observed: 3 variant alleles, 3 heterozygotes.

PreventionGenetics, part of Exact Sciences
Classification: Likely benign for PEX16-related condition. Last evaluated: 2020-05-18. Review status: no assertion criteria provided. Collection method: clinical testing. Allele origin: germline. Not counted in ClinVar's aggregate classification.
Comment: This variant is classified as likely benign based on ACMG/AMP sequence variant interpretation guidelines (Richards et al. 2015 PMID: 25741868, with internal and published modifications).